The following is an entry in ClinVar:

NM_006269.2(RP1):c.4748T>A (p.Ile1583Asn)

Gene: RP1 (RP1 axonemal microtubule associated; plus strand). Cytogenetic location: 8q12.1.
Variant type: single nucleotide variant.
Coding change: c.4748T>A on transcript NM_006269.2 (MANE Select); coding-DNA position 4748, T replaced by A.
Protein change: p.Ile1583Asn; replaces isoleucine 1583 with asparagine.
Molecular consequence: missense variant. On other transcripts: intron variant (1).
Genome position (GRCh38, 1-based): chr8:54,628,630, T>A. VCF-style: chr8-54628630-T-A. GRCh37 (hg19) VCF-style: chr8-55541190-T-A.
Other names: c.787+6342T>A (NM_001375654.1); c.4748T>A (NM_006269.1); short protein forms I1583N.
Identifiers: ClinVar variation 1923750 (VCV001923750.7), dbSNP rs1189769414, ClinGen allele CA370983098.

ClinVar aggregate classification (germline): Uncertain significance. Review status: criteria provided, multiple submitters, no conflicts (2 of 4 stars). 2 submissions from 2 submitters: Uncertain significance (2). Last evaluated 2023-07-25.

Conditions:
Inborn genetic diseases. Identifiers: MedGen C0950123, MeSH D030342.

Allele frequency attached by ClinVar (database versions not stated): TOPMed 0.00001.
gnomAD v4.1: 14 of 1,613,900 alleles (0.00087%); highest among the groups gnomAD compares: South Asian, 0.012%; 1 homozygote.

Submissions (2):

Ambry Genetics
Classification: Uncertain significance for Inborn genetic diseases. Last evaluated: 2023-07-25. Review status: criteria provided, single submitter. Criteria: Ambry Variant Classification Scheme 2023. Collection method: clinical testing. Allele origin: germline.

Labcorp Genetics (formerly Invitae), Labcorp
Classification: Uncertain significance. Last evaluated: 2022-02-25. Review status: criteria provided, single submitter. Criteria: Invitae Variant Classification Sherloc (09022015). Collection method: clinical testing. Allele origin: germline.
Comment: In summary, the available evidence is currently insufficient to determine the role of this variant in disease. Therefore, it has been classified as a Variant of Uncertain Significance. Algorithms developed to predict the effect of missense changes on protein structure and function (SIFT, PolyPhen-2, Align-GVGD) all suggest that this variant is likely to be tolerated. This variant has not been reported in the literature in individuals affected with RP1-related conditions. This variant is present in population databases (no rsID available, gnomAD 0.003%). This sequence change replaces isoleucine, which is neutral and non-polar, with asparagine, which is neutral and polar, at codon 1583 of the RP1 protein (p.Ile1583Asn).